The following is an entry in ClinVar:

NM_000326.5(RLBP1):c.141G>C (p.Lys47Asn)

Gene: RLBP1 (retinaldehyde binding protein 1; minus strand). Cytogenetic location: 15q26.1.
Variant type: single nucleotide variant.
Coding change: c.141G>C on transcript NM_000326.5 (MANE Select); coding-DNA position 141, G replaced by C.
Protein change: p.Lys47Asn; replaces lysine 47 with asparagine.
Molecular consequence: missense variant.
Genome position (GRCh38, 1-based): chr15:89,218,565, C>G on the plus strand (G>C on the coding strand, the complement: RLBP1 is on the minus strand). VCF-style: chr15-89218565-C-G. GRCh37 (hg19) VCF-style: chr15-89761796-C-G.
Other names: short protein forms K47N.
Identifiers: ClinVar variation 3721195 (VCV003721195.2).

ClinVar aggregate classification (germline): Uncertain significance (1 of 4 stars; one submission).

Submission:

Labcorp Genetics (formerly Invitae), Labcorp
Classification: Uncertain significance. Last evaluated: 2024-10-16. Review status: criteria provided, single submitter. Criteria: Invitae Variant Classification Sherloc (09022015). Collection method: clinical testing. Allele origin: germline.
Comment: This sequence change replaces lysine, which is basic and polar, with asparagine, which is neutral and polar, at codon 47 of the RLBP1 protein (p.Lys47Asn). This variant also falls at the last nucleotide of exon 4, which is part of the consensus splice site for this exon. This variant is not present in population databases (gnomAD no frequency). This missense change has been observed in individual(s) with rod-cone dystrophy (internal data). Invitae Evidence Modeling of protein sequence and biophysical properties (such as structural, functional, and spatial information, amino acid conservation, physicochemical variation, residue mobility, and thermodynamic stability) has been performed for this missense variant. However, the output from this modeling did not meet the statistical confidence thresholds required to predict the impact of this variant on RLBP1 protein function. Variants that disrupt the consensus splice site are a relatively common cause of aberrant splicing (PMID: 17576681, 9536098). Algorithms developed to predict the effect of sequence changes on RNA splicing suggest that this variant may disrupt the consensus splice site. In summary, the available evidence is currently insufficient to determine the role of this variant in disease. Therefore, it has been classified as a Variant of Uncertain Significance.

Literature cited by the submitters: PubMed 17576681; PubMed 9536098.